The following is an entry in ClinVar:

NM_032382.5(COG8):c.*27-8del

Genes: COG8 (component of oligomeric golgi complex 8; minus strand), PDF (peptide deformylase, mitochondrial; minus strand). Cytogenetic location: 16q22.1.
Variant type: Deletion.
Coding change: c.*27-8del on transcript NM_032382.5 (MANE Select); 8 bases into the intron before 27 bases downstream of the stop codon, one base deleted (C; older notation c.*27-8delC).
Molecular consequence: intron variant.
Genome position (GRCh38, 1-based): chr16:69,329,187, G deleted on the plus strand (C on the coding strand, the reverse complement: COG8 is on the minus strand); the first of 2 consecutive G bases (chr16:69,329,187-69,329,188); deleting either gives the same sequence. VCF-style (leftmost placement, unchanged base first): chr16-69329186-AG-A. GRCh37 (hg19) VCF-style: chr16-69363089-AG-A.
Other names: c.1866-8delC (NM_032382.4); c.1414-8del (NM_001379266.1); c.1583-8del (NM_001379265.1); c.1760-8del (NM_001379262.1); c.*24-8del (NM_001379264.1); c.*27-8del (NM_001379263.1, NM_001379261.1); c.575-8del (NM_022341.2).
Identifiers: ClinVar variation 422830 (VCV000422830.1), dbSNP rs747664014, ClinGen allele CA8133480.

ClinVar aggregate classification (germline): Likely benign (1 of 4 stars; one submission).

Submission:

GeneDx
Classification: Likely benign. Last evaluated: 2016-12-14. Review status: criteria provided, single submitter. Criteria: GeneDx Variant Classification (06012015). Collection method: clinical testing. Allele origin: germline. Affected: yes.
Comment: This variant is considered likely benign or benign based on one or more of the following criteria: it is a conservative change, it occurs at a poorly conserved position in the protein, it is predicted to be benign by multiple in silico algorithms, and/or has population frequency not consistent with disease.